The following is an entry in ClinVar:

ClinVar aggregate classification (germline): Uncertain significance (1 of 4 stars; one submission).

Conditions:
Developmental and epileptic encephalopathy, 12 (DEE12). Identifiers: MedGen C3150988, MONDO:0013389, OMIM 613722.

Submission:

Labcorp Genetics (formerly Invitae), Labcorp
Classification: Uncertain significance for Developmental and epileptic encephalopathy, 12. Last evaluated: 2022-08-05. Review status: criteria provided, single submitter. Criteria: Invitae Variant Classification Sherloc (09022015). Collection method: clinical testing. Allele origin: germline.
Comment: This sequence change replaces serine, which is neutral and polar, with alanine, which is neutral and non-polar, at codon 417 of the PLCB1 protein (p.Ser417Ala). This variant is not present in population databases (gnomAD no frequency). This variant has not been reported in the literature in individuals affected with PLCB1-related conditions. Algorithms developed to predict the effect of missense changes on protein structure and function are either unavailable or do not agree on the potential impact of this missense change (SIFT: "Deleterious"; PolyPhen-2: "Possibly Damaging"; Align-GVGD: "Class C0"). In summary, the available evidence is currently insufficient to determine the role of this variant in disease. Therefore, it has been classified as a Variant of Uncertain Significance.

NM_015192.4(PLCB1):c.1249T>G (p.Ser417Ala)

Gene: PLCB1 (phospholipase C beta 1; plus strand). Cytogenetic location: 20p12.3.
Variant type: single nucleotide variant.
Coding change: c.1249T>G on transcript NM_015192.4 (MANE Select); coding-DNA position 1249, T replaced by G.
Protein change: p.Ser417Ala; replaces serine 417 with alanine.
Molecular consequence: missense variant.
Genome position (GRCh38, 1-based): chr20:8,708,751, T>G. VCF-style: chr20-8708751-T-G. GRCh37 (hg19) VCF-style: chr20-8689398-T-G.
Other names: c.1249T>G, p.Ser417Ala (NM_182734.3); short protein forms S417A.
Identifiers: ClinVar variation 1715168 (VCV001715168.6), dbSNP rs1978831228, ClinGen allele CA408198833.